The following is an entry in ClinVar:

ClinVar aggregate classification (germline): Uncertain significance (1 of 4 stars; one submission).

Submission:

GeneDx
Classification: Uncertain significance. Last evaluated: 2019-10-24. Review status: criteria provided, single submitter. Criteria: GeneDx Variant Classification Process June 2021. Collection method: clinical testing. Allele origin: germline. Affected: yes.
Comment: Not observed in large population cohorts (Lek et al., 2016); Has not been previously published as pathogenic or benign to our knowledge; In-silico analysis, which includes splice predictors and evolutionary conservation, is inconclusive as to whether the variant alters gene splicing. In the absence of RNA/functional studies, the actual effect of this sequence change is unknown

NM_000701.8(ATP1A1):c.184-10T>G

Gene: ATP1A1 (ATPase Na+/K+ transporting subunit alpha 1; plus strand). Cytogenetic location: 1p13.1.
Variant type: single nucleotide variant.
Coding change: c.184-10T>G on transcript NM_000701.8 (MANE Select); 10 bases into the intron before coding-DNA position 184, T replaced by G.
Molecular consequence: intron variant.
Genome position (GRCh38, 1-based): chr1:116,387,278, T>G. VCF-style: chr1-116387278-T-G. GRCh37 (hg19) VCF-style: chr1-116929900-T-G.
Other names: c.184-10T>G (NM_001160233.2); c.91-10T>G (NM_001160234.2).
Identifiers: ClinVar variation 1309631 (VCV001309631.2), dbSNP rs752952367, ClinGen allele CA2573051347.